The following is an entry in ClinVar:

NM_001099274.3(TINF2):c.507+5C>T

Gene: TINF2 (TERF1 interacting nuclear factor 2; minus strand). Cytogenetic location: 14q12.
Variant type: single nucleotide variant.
Coding change: c.507+5C>T on transcript NM_001099274.3 (MANE Select); 5 bases into the intron after coding-DNA position 507, C replaced by T.
Molecular consequence: intron variant.
Genome position (GRCh38, 1-based): chr14:24,241,199, G>A on the plus strand (C>T on the coding strand, the complement: TINF2 is on the minus strand). VCF-style: chr14-24241199-G-A. GRCh37 (hg19) VCF-style: chr14-24710405-G-A.
Other names: c.507+5C>T (NM_012461.3); c.402+5C>T (NM_001363668.2).
Identifiers: ClinVar variation 312953 (VCV000312953.9), dbSNP rs761308889, ClinGen allele CA7130644.
Genomic context (GRCh38, chr14:24,241,199, plus strand): 5'-GAAGACCACAATCCTTGAAACAGCCACCCCACACTCTGCCCTTACATGTTTTGCCCCAGC[G>A]AAACCTGCTGTGCCTGCGGTGTAGGCAGTGCTTTCTCCAGCTGACACAAGTACTCAAAAA-3'

ClinVar aggregate classification (germline): Conflicting classifications of pathogenicity. Review status: criteria provided, conflicting classifications (1 of 4 stars). 3 submissions from 2 submitters: Uncertain significance (1); Benign (2). Last evaluated 2025-07-31.

Conditions:
Revesz syndrome. Also called: EXUDATIVE RETINOPATHY WITH BONE MARROW FAILURE; DYSKERATOSIS CONGENITA, AUTOSOMAL DOMINANT 5. Identifiers: Orphanet 3088, MedGen C1327916, MONDO:0009990, OMIM 268130.
Dyskeratosis congenita. Identifiers: Orphanet 1775, MedGen C0265965, MONDO:0015780.
Dyskeratosis congenita, autosomal dominant 3. Identifiers: MedGen C3151445, MONDO:0013522, OMIM 613990.

Allele frequency attached by ClinVar (database versions not stated): gnomAD exomes 0.00003 and 0.00007; gnomAD 0.00004; ExAC 0.00005; TOPMed 0.00005.

Submissions (3):

Labcorp Genetics (formerly Invitae), Labcorp
Classification: Uncertain significance for Dyskeratosis congenita. Last evaluated: 2025-07-31. Review status: criteria provided, single submitter. Criteria: Invitae Variant Classification Sherloc (09022015). Collection method: clinical testing. Allele origin: germline.
Comment: This sequence change falls in intron 4 of the TINF2 gene. It does not directly change the encoded amino acid sequence of the TINF2 protein. It affects a nucleotide within the consensus splice site. This variant is present in population databases (rs761308889, gnomAD 0.06%), and has an allele count higher than expected for a pathogenic variant. This variant has not been reported in the literature in individuals affected with TINF2-related conditions. ClinVar contains an entry for this variant (Variation ID: 312953). Variants that disrupt the consensus splice site are a relatively common cause of aberrant splicing (PMID: 17576681, 9536098). Algorithms developed to predict the effect of sequence changes on RNA splicing suggest that this variant is not likely to affect RNA splicing. In summary, the available evidence is currently insufficient to determine the role of this variant in disease. Therefore, it has been classified as a Variant of Uncertain Significance.

Illumina Laboratory Services, Illumina
Classification: Benign for Revesz syndrome. Last evaluated: 2018-01-13. Review status: criteria provided, single submitter. Criteria: ICSL Variant Classification Criteria 13 December 2019. Collection method: clinical testing. Allele origin: germline.
Comment: This variant was observed in the ICSL laboratory as part of a predisposition screen in an ostensibly healthy population. It had not been previously curated by ICSL or reported in the Human Gene Mutation Database (HGMD: prior to June 1st, 2018), and was therefore a candidate for classification through an automated scoring system. Utilizing variant allele frequency, disease prevalence and penetrance estimates, and inheritance mode, an automated score was calculated to assess if this variant is too frequent to cause the disease. Based on the score and internal cut-off values, a variant classified as benign is not then subjected to further curation. The score for this variant resulted in a classification of benign for this disease.

Illumina Laboratory Services, Illumina
Classification: Benign for Dyskeratosis congenita, autosomal dominant 3. Last evaluated: 2018-01-13. Review status: criteria provided, single submitter. Criteria: ICSL Variant Classification Criteria 13 December 2019. Collection method: clinical testing. Allele origin: germline.
Comment: the same text as in the submission from Illumina Laboratory Services, Illumina above.

Literature cited by the submitters: PubMed 17576681 (cited by Labcorp Genetics (formerly Invitae), Labcorp); PubMed 9536098 (cited by Labcorp Genetics (formerly Invitae), Labcorp).